The following is an entry in ClinVar:

ClinVar aggregate classification (germline): Uncertain significance. Review status: criteria provided, multiple submitters, no conflicts (2 of 4 stars). 3 submissions from 3 submitters: Uncertain significance (3). Last evaluated 2026-07-02.

Conditions:
Varicose disease. Also called: Varicose veins. Identifiers: MedGen C0042345, MONDO:0008638, OMIM 192200, HP:0002619.

Allele frequency attached by ClinVar (database versions not stated): gnomAD 0.00001; TOPMed 0.00001.
gnomAD v4.1: 6 of 1,612,828 alleles (0.00037%); highest among the groups gnomAD compares: Non-Finnish European, 0.00051%; no homozygotes.

Submissions (3):

Petrovsky National Research Centre of Surgery, The Federal Agency for Scientific Organizations
Classification: Uncertain significance for Varicose disease. Last evaluated: 2026-07-02. Review status: criteria provided, single submitter. Criteria: ACMG Guidelines, 2015. Collection method: clinical testing. Allele origin: germline. Affected: yes. Observed: 1 variant allele.
Comment: The NM_001851.6:c.964C>G variant is in The Genome Aggregation Database (gnomAD) v4.1.1 with total 0.000003720. (Date of access 2026-03-24). In silico prediction is inconclusive (REVEL score is 0.57). The Franklin ACMG classification indicates that this is a missense variant in a gene for which loss of function is the known mechanism of disease. This variant has not been reported in any study to our knowledge. In accordance with ACMG (2015) criteria this variant is classified as Uncertain significance with following criteria selected: PM2, BP1.

Labcorp Genetics (formerly Invitae), Labcorp
Classification: Uncertain significance. Last evaluated: 2025-01-12. Review status: criteria provided, single submitter. Criteria: Invitae Variant Classification Sherloc (09022015). Collection method: clinical testing. Allele origin: germline.
Comment: This sequence change replaces proline, which is neutral and non-polar, with alanine, which is neutral and non-polar, at codon 322 of the COL9A1 protein (p.Pro322Ala). This variant is not present in population databases (gnomAD no frequency). This variant has not been reported in the literature in individuals affected with COL9A1-related conditions. ClinVar contains an entry for this variant (Variation ID: 1041456). Invitae Evidence Modeling of protein sequence and biophysical properties (such as structural, functional, and spatial information, amino acid conservation, physicochemical variation, residue mobility, and thermodynamic stability) indicates that this missense variant is not expected to disrupt COL9A1 protein function with a negative predictive value of 95%. In summary, the available evidence is currently insufficient to determine the role of this variant in disease. Therefore, it has been classified as a Variant of Uncertain Significance.

Blueprint Genetics
Classification: Uncertain significance. Last evaluated: 2019-06-20. Review status: criteria provided, single submitter. Criteria: ACMG Guidelines, 2015. Collection method: clinical testing. Allele origin: germline.

NM_001851.6(COL9A1):c.964C>G (p.Pro322Ala)

Gene: COL9A1 (collagen type IX alpha 1 chain; minus strand). Cytogenetic location: 6q13.
Variant type: single nucleotide variant.
Coding change: c.964C>G on transcript NM_001851.6 (MANE Select); coding-DNA position 964, C replaced by G.
Protein change: p.Pro322Ala; replaces proline 322 with alanine.
Molecular consequence: missense variant. On other transcripts: non-coding transcript variant (1).
Genome position (GRCh38, 1-based): chr6:70,280,823, G>C on the plus strand (C>G on the coding strand, the complement: COL9A1 is on the minus strand). VCF-style: chr6-70280823-G-C. GRCh37 (hg19) VCF-style: chr6-70990526-G-C.
Other names: c.235C>G, p.Pro79Ala (NM_001377289.1, NM_001377290.1, NM_078485.4); c.964C>G, p.Pro322Ala (NM_001377291.1); short protein forms P322A, P79A.
Identifiers: ClinVar variation 1041456 (VCV001041456.12), dbSNP rs1773107843, ClinGen allele CA364665719.